The following is an entry in ClinVar:

NM_133433.4(NIPBL):c.1169T>C (p.Ile390Thr)

Gene: NIPBL (NIPBL cohesin loading factor; plus strand). Cytogenetic location: 5p13.2.
Variant type: single nucleotide variant.
Coding change: c.1169T>C on transcript NM_133433.4 (MANE Select); coding-DNA position 1169, T replaced by C.
Protein change: p.Ile390Thr; replaces isoleucine 390 with threonine.
Molecular consequence: missense variant.
Genome position (GRCh38, 1-based): chr5:36,976,076, T>C. VCF-style: chr5-36976076-T-C. GRCh37 (hg19) VCF-style: chr5-36976178-T-C.
Other names: c.1169T>C (NM_133433.3); c.1169T>C, p.Ile390Thr (NM_015384.5); short protein forms I390T.
Identifiers: ClinVar variation 2886398 (VCV002886398.4), dbSNP rs747144008, ClinGen allele CA3235988.

ClinVar aggregate classification (germline): Conflicting classifications of pathogenicity. Review status: criteria provided, conflicting classifications (1 of 4 stars). 2 submissions from 2 submitters: Uncertain significance (1); Likely benign (1). Last evaluated 2025-06-25.

Conditions:
Inborn genetic diseases. Identifiers: MedGen C0950123, MeSH D030342.
Cornelia de Lange syndrome 1 (CDLS1). Also called: TYPUS DEGENERATIVUS AMSTELODAMENSIS; Brachmann de Lange syndrome; NIPBL-Related Cornelia de Lange Syndrome. Identifiers: Orphanet 199, MedGen C4551851, MONDO:0007387, OMIM 122470.

Allele frequency attached by ClinVar (database versions not stated): TOPMed 0.00001; ExAC 0.00002; gnomAD exomes 0.00003.
gnomAD v4.1: 37 of 1,613,980 alleles (0.0023%); highest among the groups gnomAD compares: East Asian, 0.0045%; no homozygotes.

Submissions (2):

Ambry Genetics
Classification: Likely benign for Inborn genetic diseases. Last evaluated: 2025-06-25. Review status: criteria provided, single submitter. Criteria: Ambry Variant Classification Scheme 2023. Collection method: clinical testing. Allele origin: germline.

Labcorp Genetics (formerly Invitae), Labcorp
Classification: Uncertain significance for Cornelia de Lange syndrome 1. Last evaluated: 2023-10-06. Review status: criteria provided, single submitter. Criteria: Invitae Variant Classification Sherloc (09022015). Collection method: clinical testing. Allele origin: germline.
Comment: This sequence change replaces isoleucine, which is neutral and non-polar, with threonine, which is neutral and polar, at codon 390 of the NIPBL protein (p.Ile390Thr). This variant is present in population databases (rs747144008, gnomAD 0.01%). This variant has not been reported in the literature in individuals affected with NIPBL-related conditions. Advanced modeling of protein sequence and biophysical properties (such as structural, functional, and spatial information, amino acid conservation, physicochemical variation, residue mobility, and thermodynamic stability) has been performed at Invitae for this missense variant, however the output from this modeling did not meet the statistical confidence thresholds required to predict the impact of this variant on NIPBL protein function. In summary, the available evidence is currently insufficient to determine the role of this variant in disease. Therefore, it has been classified as a Variant of Uncertain Significance.